The following is an entry in ClinVar:

ClinVar aggregate classification (germline): Uncertain significance (1 of 4 stars; one submission).

Conditions:
Hereditary cancer-predisposing syndrome. Also called: Tumor predisposition; Neoplastic Syndromes, Hereditary; Hereditary neoplastic syndrome; Hereditary Cancer Syndrome. Identifiers: Orphanet 140162, MedGen C0027672, MeSH D009386, MONDO:0015356.

Submission:

Molecular Diagnostics Laboratory, Catalan Institute of Oncology
Classification: Uncertain significance for Hereditary cancer-predisposing syndrome. Last evaluated: 2025-03-26. Review status: criteria provided, single submitter. Criteria: Submitter's publication. Collection method: clinical testing. Allele origin: germline.
Comment: PM2_Supporting, PM1_Supporting c.875A>C located in exon 9 of the POLE is predicted to result in the substitution of proline by proline at codon 292, p.(Gln292Pro). This variant is located at exonuclease domain and within the DNA binding cleft, and < 6 from the DNA (PM1_Supporting). It is not present in the population database gnomAD v2.1.1, non cancer dataset (PM2_Supporting). The SpliceAI algorithm predicts no significant impact on splicing and the REVEL meta-predictor score (0.605) for this variant suggests an intermediate effect on the protein function. To our knowledge, neither clinical data nor functional studies have been reported for this variant. This variant has not been identified neither ClinVar nor LOVD databases. Based on currently available information, the variant c.875A>C is classified as an uncertain significance variant according to ClinGen-POLE Guidelines version 3.0.0.

NM_006231.4(POLE):c.875A>C (p.Gln292Pro)

Gene: POLE (DNA polymerase epsilon, catalytic subunit; minus strand). Cytogenetic location: 12q24.33.
Variant type: single nucleotide variant.
Coding change: c.875A>C on transcript NM_006231.4 (MANE Select); coding-DNA position 875, A replaced by C.
Protein change: p.Gln292Pro; replaces glutamine 292 with proline.
Molecular consequence: missense variant.
Genome position (GRCh38, 1-based): chr12:132,676,580, T>G on the plus strand (A>C on the coding strand, the complement: POLE is on the minus strand). VCF-style: chr12-132676580-T-G. GRCh37 (hg19) VCF-style: chr12-133253166-T-G.
Other names: short protein forms Q292P.
Identifiers: ClinVar variation 4082308 (VCV004082308.1).